The following is an entry in ClinVar:

ClinVar aggregate classification (germline): Pathogenic (1 of 4 stars; one submission).

Conditions:
Familial cylindromatosis. Also called: ANCELL-SPIEGLER CYLINDROMAS; Turban tumor syndrome. Identifiers: Orphanet 211, Orphanet 79493, MedGen C1851526, MONDO:0007565, OMIM 132700.

Submission:

Genomic Diagnostic Laboratory, Division of Genomic Diagnostics, Children's Hospital of Philadelphia
Classification: Pathogenic for Cylindromatosis, familial. Last evaluated: 2016-09-23. Review status: criteria provided, single submitter. Criteria: DGD Variant Analysis Guidelines. Collection method: clinical testing. Allele origin: germline. Affected: yes. Observed: 1 variant allele.
Comment: Clinical Testing

NM_001378743.1(CYLD):c.1771A>T (p.Lys591Ter)

Gene: CYLD (CYLD lysine 63 deubiquitinase; plus strand). Cytogenetic location: 16q12.1.
Variant type: single nucleotide variant.
Coding change: c.1771A>T on transcript NM_001378743.1 (MANE Select); coding-DNA position 1771, A replaced by T.
Protein change: p.Lys591Ter; replaces lysine 591 with a stop codon.
Molecular consequence: nonsense. On other transcripts: non-coding transcript variant (1).
Genome position (GRCh38, 1-based): chr16:50,782,411, A>T. VCF-style: chr16-50782411-A-T. GRCh37 (hg19) VCF-style: chr16-50816322-A-T.
Other names: c.1762A>T, p.Lys588Ter (NM_001042355.2, NM_001042412.3, NM_001378744.1 and 6 more transcripts); c.1732A>T, p.Lys578Ter (NM_001378751.1, NM_001378752.1, NM_001378753.1); c.1096A>T, p.Lys366Ter (NM_001378754.1, NM_001378755.1); c.1771A>T, p.Lys591Ter (NM_015247.3); short protein forms K591*, K588*, K366*, K578*.
Identifiers: ClinVar variation 267240 (VCV000267240.1), dbSNP rs886040879, ClinGen allele CA10590077.